The following is an entry in ClinVar:

NC_000016.9:g.(?_74485954)_(74808653_?)dup

Genes: FA2H (fatty acid 2-hydroxylase; minus strand), GLG1 (golgi glycoprotein 1; minus strand), MLKL (mixed lineage kinase domain like pseudokinase; minus strand), RFWD3 (ring finger and WD repeat domain 3; minus strand). Cytogenetic location: 16q23.1.
Variant type: Duplication.
Identifiers: ClinVar variation 3243658 (VCV003243658.1).

ClinVar aggregate classification (germline): Uncertain significance (1 of 4 stars; one submission).

Submission:

Labcorp Genetics (formerly Invitae), Labcorp
Classification: Uncertain significance. Last evaluated: 2023-07-19. Review status: criteria provided, single submitter. Criteria: Invitae Variant Classification Sherloc (09022015). Collection method: clinical testing. Allele origin: unknown.
Comment: In summary, the available evidence is currently insufficient to determine the role of this variant in disease. Therefore, it has been classified as a Variant of Uncertain Significance. This variant has not been reported in the literature in individuals affected with RFWD3-related conditions. A copy number gain of the genomic region encompassing the full coding sequence of the RFWD3 gene has been identified. The boundaries of this event are unknown as they extend beyond the assayed region for this gene and therefore may encompass additional genes. As the precise location of this event is unknown, it may be in tandem or it may be located elsewhere in the genome.